The following is an entry in ClinVar:

NM_001323289.2(CDKL5):c.2047-2A>G

Gene: CDKL5 (cyclin dependent kinase like 5; plus strand). Cytogenetic location: Xp22.13.
Variant type: single nucleotide variant.
Coding change: c.2047-2A>G on transcript NM_001323289.2 (MANE Select); the canonical splice acceptor site of the intron before coding-DNA position 2047, A replaced by G.
Molecular consequence: splice acceptor variant.
Genome position (GRCh38, 1-based): chrX:18,609,463, A>G. VCF-style: chrX-18609463-A-G. GRCh37 (hg19) VCF-style: chrX-18627583-A-G.
Other names: NM_003159.3:c.2047-2A>G; c.2047-2A>G (NM_003159.3, NM_001037343.2).
Identifiers: ClinVar variation 3344001 (VCV003344001.3).
Genomic context (GRCh38, chrX:18,609,463, plus strand): 5'-GTCATAGGCAATATTGTCATCAATGTGTGGCTTAACTTTTATAAATTTCTTTCCTGCCTC[A>G]GGGTGGAGTGTATCATGACCCACACTCTGATGATGGCACAGCCCCCAAAGAAAATAGACA-3'

ClinVar aggregate classification (germline): Pathogenic/Likely pathogenic. Review status: criteria provided, multiple submitters, no conflicts (2 of 4 stars). 2 submissions from 2 submitters: Pathogenic (1); Likely pathogenic (1). Last evaluated 2026-06-01.

Conditions:
CDKL5 disorder. Identifiers: MedGen CN296942, MONDO:0100039.

Submissions (2):

CeGaT Center for Human Genetics Tuebingen
Classification: Pathogenic. Last evaluated: 2026-06-01. Review status: criteria provided, single submitter. Criteria: CeGaT Center For Human Genetics Tuebingen Variant Classification Criteria Version 2. Collection method: clinical testing. Allele origin: germline. Affected: yes. Observed: 1 variant allele.
Comment: CDKL5: PVS1, PM2

Centre for Population Genomics, CPG
Classification: Likely pathogenic for CDKL5 disorder. Last evaluated: 2024-09-18. Review status: criteria provided, single submitter. Criteria: McKnight et al. (Hum Mutat. 2022). Collection method: curation. Allele origin: germline. Inheritance: X-linked inheritance.
Comment: This variant has been collected from RettBASE and curated to current modified ACMG/AMP criteria. Based on the classification scheme defined by the ClinGen Rett/Angelman-like Expert Panel for Rett/AS-like Disorders Specifications to the ACMG/AMP Variant Interpretation Guidelines VCEP 3.0, this variant is classified as likely pathogenic. At least the following criteria are met: Predicted to result in loss of function, and LOF is a known mechanism of disease (PVS1). This variant is absent from gnomAD v4 (PM2_Supporting).